The following is an entry in ClinVar:

NM_147686.4(TRAF3IP2):c.593G>T (p.Gly198Val)

Genes: TRAF3IP2 (TRAF3 interacting protein 2; minus strand), TRAF3IP2-AS1 (TRAF3IP2 antisense RNA 1; plus strand), LOC114803478 (TRAF3IP2 eExon liver enhancer; plus strand). Cytogenetic location: 6q21.
Variant type: single nucleotide variant.
Coding change: c.593G>T on transcript NM_147686.4 (MANE Select); coding-DNA position 593, G replaced by T.
Protein change: p.Gly198Val; replaces glycine 198 with valine.
Molecular consequence: missense variant.
Genome position (GRCh38, 1-based): chr6:111,591,494, C>A on the plus strand (G>T on the coding strand, the complement: TRAF3IP2 is on the minus strand). VCF-style: chr6-111591494-C-A. GRCh37 (hg19) VCF-style: chr6-111912697-C-A.
Other names: c.593G>T, p.Gly198Val (NM_001164281.3); c.620G>T, p.Gly207Val (NM_147200.3); c.593G>T (NM_147686.2); short protein forms G207V, G198V.
Identifiers: ClinVar variation 3661022 (VCV003661022.3).

ClinVar aggregate classification (germline): Uncertain significance. Review status: criteria provided, multiple submitters, no conflicts (2 of 4 stars). 2 submissions from 2 submitters: Uncertain significance (2). Last evaluated 2025-07-31.

Conditions:
Candidiasis, familial, 8 (CANDF8). Identifiers: Orphanet 1334, MedGen C3714992, MONDO:0014230, OMIM 615527.

Submissions (2):

Ambry Genetics
Classification: Uncertain significance. Last evaluated: 2025-07-31. Review status: criteria provided, single submitter. Criteria: Ambry Variant Classification Scheme 2023. Collection method: clinical testing. Allele origin: germline.

Labcorp Genetics (formerly Invitae), Labcorp
Classification: Uncertain significance for Candidiasis, familial, 8. Last evaluated: 2024-07-31. Review status: criteria provided, single submitter. Criteria: Invitae Variant Classification Sherloc (09022015). Collection method: clinical testing. Allele origin: germline.
Comment: This sequence change replaces glycine, which is neutral and non-polar, with valine, which is neutral and non-polar, at codon 198 of the TRAF3IP2 protein (p.Gly198Val). This variant is not present in population databases (gnomAD no frequency). This variant has not been reported in the literature in individuals affected with TRAF3IP2-related conditions. Advanced modeling of protein sequence and biophysical properties (such as structural, functional, and spatial information, amino acid conservation, physicochemical variation, residue mobility, and thermodynamic stability) performed at Invitae indicates that this missense variant is not expected to disrupt TRAF3IP2 protein function with a negative predictive value of 80%. Algorithms developed to predict the effect of sequence changes on RNA splicing suggest that this variant may create or strengthen a splice site. In summary, the available evidence is currently insufficient to determine the role of this variant in disease. Therefore, it has been classified as a Variant of Uncertain Significance.